The following is an entry in ClinVar:

ClinVar aggregate classification (germline): Uncertain significance (1 of 4 stars; one submission).

Allele frequency attached by ClinVar (database versions not stated): gnomAD exomes below 0.00001.
gnomAD v4.1: 3 of 1,614,218 alleles (0.00019%); highest among the groups gnomAD compares: Middle Eastern, 0.017%; no homozygotes.

Submission:

Ambry Genetics
Classification: Uncertain significance. Last evaluated: 2024-12-27. Review status: criteria provided, single submitter. Criteria: Ambry Variant Classification Scheme 2023. Collection method: clinical testing. Allele origin: germline.
Comment: The p.I965V variant (also known as c.2893A>G), located in coding exon 1 of the MLH3 gene, results from an A to G substitution at nucleotide position 2893. The isoleucine at codon 965 is replaced by valine, an amino acid with highly similar properties. This amino acid position is conserved. In addition, this alteration is predicted to be tolerated by in silico analysis. Since supporting evidence is limited at this time, the clinical significance of this alteration remains unclear.

NM_001040108.2(MLH3):c.2893A>G (p.Ile965Val)

Gene: MLH3 (mutL homolog 3; minus strand). Cytogenetic location: 14q24.3.
Variant type: single nucleotide variant.
Coding change: c.2893A>G on transcript NM_001040108.2 (MANE Select); coding-DNA position 2893, A replaced by G.
Protein change: p.Ile965Val; replaces isoleucine 965 with valine.
Molecular consequence: missense variant.
Genome position (GRCh38, 1-based): chr14:75,046,763, T>C on the plus strand (A>G on the coding strand, the complement: MLH3 is on the minus strand). VCF-style: chr14-75046763-T-C. GRCh37 (hg19) VCF-style: chr14-75513466-T-C.
Other names: c.2893A>G, p.Ile965Val (NM_014381.3); short protein forms I965V.
Identifiers: ClinVar variation 2448618 (VCV002448618.3), dbSNP rs1223845608, ClinGen allele CA390437713.
Genomic context (GRCh38, chr14:75,046,763, plus strand): 5'-CTGAATCTTTACCGGTAACTTTAGAATTATTATAGGGCAATACCAAAGGAGTTTCTGATA[T>C]CACACAGTTCTCTGTTGTATTGCTGTTAGAATGTGTTTTACTATTTTTATTAAAGGAATT-3'
Protein context (NP_001035197.1, residues 955-975): SNSNTTENCV[Ile965Val]SETPLVLPYN